The following is an entry in ClinVar:

NM_006031.6(PCNT):c.8752-308G>A

Gene: PCNT (pericentrin; plus strand). Cytogenetic location: 21q22.3.
Variant type: single nucleotide variant.
Coding change: c.8752-308G>A on transcript NM_006031.6 (MANE Select); 308 bases into the intron before coding-DNA position 8752, G replaced by A.
Molecular consequence: intron variant.
Genome position (GRCh38, 1-based): chr21:46,435,596, G>A. VCF-style: chr21-46435596-G-A. GRCh37 (hg19) VCF-style: chr21-47855509-G-A.
Other names: c.8161-308G>A (NM_001315529.2).
Identifiers: ClinVar variation 668871 (VCV000668871.1), dbSNP rs60407402, ClinGen allele CA14865607.
Genomic context (GRCh38, chr21:46,435,596, plus strand): 5'-TGTTTTGTTTTGTTTTGTTTTGTTTGAGATGGAGTCTCACTCTGTTGTCCAGGCTGAAGT[G>A]CAGTGGCGCAATCTCGGCTCACTGCAAGCTCTGCCTCCCGGGTTCACGCCATTCTCCTGC-3'

ClinVar aggregate classification (germline): Benign (1 of 4 stars; one submission).

Allele frequency attached by ClinVar (database versions not stated): 1000 Genomes Project 30x 0.30465; 1000 Genomes Project 0.30831; TOPMed 0.31765.
gnomAD v4.1: 49,019 of 151,508 alleles (32%); highest among the groups gnomAD compares: East Asian, 43%; 8,467 homozygotes.

Submission:

GeneDx
Classification: Benign. Last evaluated: 2018-06-16. Review status: criteria provided, single submitter. Criteria: GeneDx Variant Classification (06012015). Collection method: clinical testing. Allele origin: germline. Affected: yes.
Comment: This variant is considered likely benign or benign based on one or more of the following criteria: it is a conservative change, it occurs at a poorly conserved position in the protein, it is predicted to be benign by multiple in silico algorithms, and/or has population frequency not consistent with disease.